The following is an entry in ClinVar:

ClinVar aggregate classification (germline): Likely pathogenic (1 of 4 stars; one submission).

Conditions:
Juvenile polyposis syndrome (JPS). Identifiers: Orphanet 2929, MedGen C0345893, MONDO:0017380, OMIM 174900.

Submission:

Labcorp Genetics (formerly Invitae), Labcorp
Classification: Likely pathogenic for Juvenile polyposis syndrome. Last evaluated: 2018-01-15. Review status: criteria provided, single submitter. Criteria: Invitae Variant Classification Sherloc (09022015). Collection method: clinical testing. Allele origin: germline.
Comment: This sequence change affects an acceptor splice site in intron 10 and deletes the first 3 nucleotides of exon 11 of the BMPR1A gene. It is expected to disrupt RNA splicing and likely results in an absent or disrupted protein product. In summary, the currently available evidence indicates that the variant is pathogenic, but additional data are needed to prove that conclusively. Therefore, this variant has been classified as Likely Pathogenic. Donor and acceptor splice site variants typically lead to a loss of protein function (PMID: 16199547), and loss-of-function variants in BMPR1A are known to be pathogenic (PMID: 11536076, 12417513). This variant has not been reported in the literature in individuals with BMPR1A-related disease. This variant is not present in population databases (ExAC no frequency).

Literature cited by the submitters: PubMed 16199547; PubMed 11536076; PubMed 12417513.

NM_004329.3(BMPR1A):c.869-2_871del

Gene: BMPR1A (bone morphogenetic protein receptor type 1A; plus strand). Cytogenetic location: 10q23.2.
Variant type: Deletion.
Coding change: c.869-2_871del on transcript NM_004329.3 (MANE Select); the canonical splice acceptor site of the intron before coding-DNA position 869 through coding-DNA position 871, 5 bases deleted (AGGTT; older notation c.869-2_871delAGGTT).
Molecular consequence: splice acceptor variant.
Genome position (GRCh38, 1-based): chr10:86,919,170-86,919,174, AGGTT deleted. VCF-style (leftmost placement, unchanged base first): chr10-86919169-CAGGTT-C. GRCh37 (hg19) VCF-style: chr10-88678926-CAGGTT-C.
Other names: c.869-2_871delAGGTT (NM_004329.2).
Identifiers: ClinVar variation 577341 (VCV000577341.8), dbSNP rs1564724111, ClinGen allele CA891843415.